The following is an entry in ClinVar:

ClinVar aggregate classification (germline): Uncertain significance (1 of 4 stars; one submission).

Conditions:
Acrocallosal syndrome (ACLS). Also called: Absence of corpus callosum with unusual facial appearance, mental deficiency, duplication of the halluces and polydactyly; HALLUX DUPLICATION, POSTAXIAL POLYDACTYLY, AND ABSENCE OF CORPUS CALLOSUM; Schinzel syndrome 1. Identifiers: Orphanet 36, MedGen C0796147, MONDO:0008708, OMIM 200990.

Allele frequency attached by ClinVar (database versions not stated): ESP Exome Variant Server 0.00008.
gnomAD v4.1: 2 of 1,581,720 alleles (0.00013%); highest among the groups gnomAD compares: Non-Finnish European, 0.00017%; no homozygotes.

Submission:

Labcorp Genetics (formerly Invitae), Labcorp
Classification: Uncertain significance for Acrocallosal syndrome. Last evaluated: 2024-11-05. Review status: criteria provided, single submitter. Criteria: Invitae Variant Classification Sherloc (09022015). Collection method: clinical testing. Allele origin: germline.
Comment: This sequence change replaces glutamine, which is neutral and polar, with glutamic acid, which is acidic and polar, at codon 924 of the KIF7 protein (p.Gln924Glu). This variant is not present in population databases (gnomAD no frequency). This variant has not been reported in the literature in individuals affected with KIF7-related conditions. ClinVar contains an entry for this variant (Variation ID: 2807811). Invitae Evidence Modeling of protein sequence and biophysical properties (such as structural, functional, and spatial information, amino acid conservation, physicochemical variation, residue mobility, and thermodynamic stability) indicates that this missense variant is not expected to disrupt KIF7 protein function with a negative predictive value of 80%. In summary, the available evidence is currently insufficient to determine the role of this variant in disease. Therefore, it has been classified as a Variant of Uncertain Significance.

NM_198525.3(KIF7):c.2770C>G (p.Gln924Glu)

Gene: KIF7 (kinesin family member 7; minus strand). Cytogenetic location: 15q26.1.
Variant type: single nucleotide variant.
Coding change: c.2770C>G on transcript NM_198525.3 (MANE Select); coding-DNA position 2770, C replaced by G.
Protein change: p.Gln924Glu; replaces glutamine 924 with glutamic acid.
Molecular consequence: missense variant.
Genome position (GRCh38, 1-based): chr15:89,632,945, G>C on the plus strand (C>G on the coding strand, the complement: KIF7 is on the minus strand). VCF-style: chr15-89632945-G-C. GRCh37 (hg19) VCF-style: chr15-90176176-G-C.
Other names: short protein forms Q924E.
Identifiers: ClinVar variation 2807811 (VCV002807811.3), dbSNP rs372338933, ClinGen allele CA7727953.
Genomic context (GRCh38, chr15:89,632,945, plus strand): 5'-CCAGGATGGCCTCCCGCTTGTGGAGCTCCTCCCCCAGCTCCTCCAGCGCCCGCCGCTGCT[G>C]TAGCACCTTCTCCATCTCCTGGTCCAGCCACTTCTTCTGCTCCTCAATCTTCTAAGGAAA-3'
Protein context (NP_940927.2, residues 914-934): WLDQEMEKVL[Gln924Glu]QRRALEELGE